The following is an entry in ClinVar:

ClinVar aggregate classification (germline): Uncertain significance (1 of 4 stars; one submission).

Conditions:
Candidiasis, familial, 9 (CANDF9). Identifiers: Orphanet 1334, MedGen C4225324, MONDO:0014642, OMIM 616445.

gnomAD v4.1: 1 of 1,614,074 alleles (0.000062%); highest among the groups gnomAD compares: Non-Finnish European, 0.000085%; no homozygotes.

Submission:

Labcorp Genetics (formerly Invitae), Labcorp
Classification: Uncertain significance for Candidiasis, familial, 9. Last evaluated: 2025-07-14. Review status: criteria provided, single submitter. Criteria: Invitae Variant Classification Sherloc (09022015). Collection method: clinical testing. Allele origin: germline.
Comment: This sequence change replaces proline, which is neutral and non-polar, with leucine, which is neutral and non-polar, at codon 340 of the IL17RC protein (p.Pro340Leu). This variant is not present in population databases (gnomAD no frequency). This variant has not been reported in the literature in individuals affected with IL17RC-related conditions. An algorithm developed to predict the effect of missense changes on protein structure and function (PolyPhen-2) suggests that this variant is likely to be disruptive. In summary, the available evidence is currently insufficient to determine the role of this variant in disease. Therefore, it has been classified as a Variant of Uncertain Significance.

NM_153460.4(IL17RC):c.806C>T (p.Pro269Leu)

Gene: IL17RC (interleukin 17 receptor C; plus strand). Cytogenetic location: 3p25.3.
Variant type: single nucleotide variant.
Coding change: c.806C>T on transcript NM_153460.4 (MANE Select); coding-DNA position 806, C replaced by T.
Protein change: p.Pro269Leu; replaces proline 269 with leucine.
Molecular consequence: missense variant. On other transcripts: non-coding transcript variant (1).
Genome position (GRCh38, 1-based): chr3:9,924,275, C>T. VCF-style: chr3-9924275-C-T. GRCh37 (hg19) VCF-style: chr3-9965959-C-T.
Other names: c.806C>T, p.Pro269Leu (NM_001203263.2, NM_001203264.2); c.761C>T, p.Pro254Leu (NM_001203265.2, NM_001367280.1, NM_001410711.1 and 1 more transcripts); c.767C>T, p.Pro256Leu (NM_001367278.1); c.686C>T, p.Pro229Leu (NM_001367279.1); c.1019C>T, p.Pro340Leu (NM_153461.4); short protein forms P340L, P229L, P254L, P256L, P269L.
Identifiers: ClinVar variation 4704490 (VCV004704490.1).
Genomic context (GRCh38, chr3:9,924,275, plus strand): 5'-CTTTATTTGTTCCACAGACTGGACCGCAGATCATTACCTTGAACCACACAGACCTGGTTC[C>T]CTGCCTCTGTATTCAGGTAGGAGCAGAGTCTAGCTGGGTGCCAGAAGAGGAGTGGGAAGA-3'
Protein context (NP_703190.2, residues 259-279): IITLNHTDLV[Pro269Leu]CLCIQVWPLE